The following is an entry in ClinVar:

ClinVar aggregate classification (germline): Uncertain significance (1 of 4 stars; one submission).

Conditions:
Primary ciliary dyskinesia. Also called: Ciliary dyskinesia. Identifiers: Orphanet 244, MedGen C0008780, MONDO:0016575, HP:0012265.

gnomAD v4.1: 6 of 1,604,874 alleles (0.00037%); highest among the groups gnomAD compares: Non-Finnish European, 0.00051%; no homozygotes.

Submission:

Ambry Genetics
Classification: Uncertain significance for Primary ciliary dyskinesia. Last evaluated: 2025-10-29. Review status: criteria provided, single submitter. Criteria: Ambry Variant Classification Scheme 2023. Collection method: clinical testing. Allele origin: germline.
Comment: The p.T308A variant (also known as c.922A>G), located in coding exon 5 of the DNAH11 gene, results from an A to G substitution at nucleotide position 922. The threonine at codon 308 is replaced by alanine, an amino acid with similar properties. This amino acid position is conserved. In addition, this alteration is predicted to be tolerated by in silico analysis. Based on the available evidence, the clinical significance of this variant remains unclear.

NM_001277115.2(DNAH11):c.922A>G (p.Thr308Ala)

Gene: DNAH11 (dynein axonemal heavy chain 11; plus strand). Cytogenetic location: 7p15.3.
Variant type: single nucleotide variant.
Coding change: c.922A>G on transcript NM_001277115.2 (MANE Select); coding-DNA position 922, A replaced by G.
Protein change: p.Thr308Ala; replaces threonine 308 with alanine.
Molecular consequence: missense variant.
Genome position (GRCh38, 1-based): chr7:21,561,110, A>G. VCF-style: chr7-21561110-A-G. GRCh37 (hg19) VCF-style: chr7-21600728-A-G.
Other names: short protein forms T308A.
Identifiers: ClinVar variation 4598502 (VCV004598502.1).